The following is an entry in ClinVar:

ClinVar aggregate classification (germline): Conflicting classifications of pathogenicity. Review status: criteria provided, conflicting classifications (1 of 4 stars). 4 submissions from 2 submitters: Uncertain significance (2); Benign (2). Last evaluated 2025-12-18.

Conditions:
Paroxysmal extreme pain disorder (PEXPD). Also called: PAIN, SUBMANDIBULAR, OCULAR, AND RECTAL, WITH FLUSHING; RECTAL PAIN, FAMILIAL; SCN9A Paroxysmal Extreme Pain Disorder (SCN9A-PEPD). Identifiers: Orphanet 46348, MedGen C1833661, MONDO:0008179, OMIM 167400.
Channelopathy-associated congenital insensitivity to pain, autosomal recessive. Also called: Insensitivity to pain, channelopathy-associated; ASYMBOLIA FOR PAIN; CONGENITAL ANALGESIA, AUTOSOMAL RECESSIVE. Identifiers: Orphanet 88642, Orphanet 970, MedGen C1855739, MONDO:0009459, OMIM 243000.
Neuropathy, hereditary sensory and autonomic, type 2A (HSAN2A). Also called: MORVAN DISEASE; NEUROPATHY, CONGENITAL SENSORY; NEUROPATHY, HEREDITARY SENSORY RADICULAR, AUTOSOMAL RECESSIVE; NEUROPATHY, HEREDITARY SENSORY, TYPE IIA; NEUROPATHY, PROGRESSIVE SENSORY, OF CHILDREN; HSAN IIA. Identifiers: Orphanet 970, MedGen C2752089, MONDO:0024309, OMIM 201300.
Generalized epilepsy with febrile seizures plus, type 7 (GEFSP7). Also called: GEFS+, TYPE 7. Identifiers: Orphanet 36387, MedGen C2751778, MONDO:0013470, OMIM 613863.
Primary erythromelalgia. Also called: SCN9A Erythromelalgia (SCN9A-EM); primary erythermalgia. Identifiers: Orphanet 306577, Orphanet 90026, MedGen C0014805, MONDO:0007571, OMIM 133020.

Allele frequency attached by ClinVar (database versions not stated): TOPMed 0.00002; gnomAD 0.00003; gnomAD exomes 0.00003 and 0.00005; ExAC 0.00004.
gnomAD v4.1: 21 of 1,608,302 alleles (0.0013%); highest among the groups gnomAD compares: East Asian, 0.045%; no homozygotes.

Submissions (4):

Labcorp Genetics (formerly Invitae), Labcorp
Classification: Uncertain significance for Neuropathy, hereditary sensory and autonomic, type 2A; Generalized epilepsy with febrile seizures plus, type 7. Last evaluated: 2025-12-18. Review status: criteria provided, single submitter. Criteria: Invitae Variant Classification Sherloc (09022015). Collection method: clinical testing. Allele origin: germline.
Comment: This sequence change replaces glycine, which is neutral and non-polar, with glutamic acid, which is acidic and polar, at codon 327 of the SCN9A protein (p.Gly327Glu). This variant is present in population databases (rs765818027, gnomAD 0.08%). This missense change has been observed in individual(s) with SCN9A-related conditions (PMID: 29500686, 30834459). ClinVar contains an entry for this variant (Variation ID: 894325). Invitae Evidence Modeling of protein sequence and biophysical properties (such as structural, functional, and spatial information, amino acid conservation, physicochemical variation, residue mobility, and thermodynamic stability) indicates that this missense variant is not expected to disrupt SCN9A protein function with a negative predictive value of 80%. In summary, the available evidence is currently insufficient to determine the role of this variant in disease. Therefore, it has been classified as a Variant of Uncertain Significance.

Illumina Laboratory Services, Illumina
Classification: Benign for Primary erythromelalgia. Last evaluated: 2018-01-13. Review status: criteria provided, single submitter. Criteria: ICSL Variant Classification Criteria 13 December 2019. Collection method: clinical testing. Allele origin: germline.
Comment: This variant was observed in the ICSL laboratory as part of a predisposition screen in an ostensibly healthy population. It had not been previously curated by ICSL or reported in the Human Gene Mutation Database (HGMD: prior to June 1st, 2018), and was therefore a candidate for classification through an automated scoring system. Utilizing variant allele frequency, disease prevalence and penetrance estimates, and inheritance mode, an automated score was calculated to assess if this variant is too frequent to cause the disease. Based on the score and internal cut-off values, a variant classified as benign is not then subjected to further curation. The score for this variant resulted in a classification of benign for this disease.

Illumina Laboratory Services, Illumina
Classification: Benign for Paroxysmal extreme pain disorder. Last evaluated: 2018-01-13. Review status: criteria provided, single submitter. Criteria: ICSL Variant Classification Criteria 13 December 2019. Collection method: clinical testing. Allele origin: germline.
Comment: the same text as in the submission from Illumina Laboratory Services, Illumina above.

Illumina Laboratory Services, Illumina
Classification: Uncertain significance for Channelopathy-associated congenital insensitivity to pain, autosomal recessive. Last evaluated: 2018-01-13. Review status: criteria provided, single submitter. Criteria: ICSL Variant Classification Criteria 13 December 2019. Collection method: clinical testing. Allele origin: germline.

Literature cited by the submitters: PubMed 29500686 (cited by Labcorp Genetics (formerly Invitae), Labcorp); PubMed 30834459 (cited by Labcorp Genetics (formerly Invitae), Labcorp).

NM_001365536.1(SCN9A):c.980G>A (p.Gly327Glu)

Genes: SCN1A-AS1 (SCN1A and SCN9A antisense RNA 1; plus strand), SCN9A (sodium voltage-gated channel alpha subunit 9; minus strand). Cytogenetic location: 2q24.3.
Variant type: single nucleotide variant.
Coding change: c.980G>A on transcript NM_001365536.1 (MANE Select); coding-DNA position 980, G replaced by A.
Protein change: p.Gly327Glu; replaces glycine 327 with glutamic acid.
Molecular consequence: missense variant.
Genome position (GRCh38, 1-based): chr2:166,293,358, C>T on the plus strand (G>A on the coding strand, the complement: SCN9A is on the minus strand). VCF-style: chr2-166293358-C-T. GRCh37 (hg19) VCF-style: chr2-167149868-C-T.
Other names: c.980G>A, p.Gly327Glu (NM_002977.4); short protein forms G327E.
Identifiers: ClinVar variation 894325 (VCV000894325.11), dbSNP rs765818027, ClinGen allele CA1944615.
Genomic context (GRCh38, chr2:166,293,358, plus strand): 5'-AAAGTGTCAAAGCTCGTGTAGCCATAATCAGGGTTTCTGCCAATTTTCACACAGGTGTAC[C>T]CCTCTGGACACTGACTACACACGAGAAAGAACATTATAGGTGAGAGTGTCTTCAGGACAC-3'
Protein context (NP_001352465.1, residues 317-337): FSTDSGQCPE[Gly327Glu]YTCVKIGRNP